The following is an entry in ClinVar:

NM_016628.5(WAC):c.-1577_274+3865del

Genes: WAC-AS1 (WAC antisense RNA 1; minus strand), WAC (WW domain containing adaptor with coiled-coil; plus strand), LOC130003576 (ATAC-STARR-seq lymphoblastoid silent region 2255; plus strand), LOC130003575 (ATAC-STARR-seq lymphoblastoid silent region 2254; plus strand), LOC130003574 (ATAC-STARR-seq lymphoblastoid silent region 2253; plus strand). Cytogenetic location: 10p12.1.
Variant type: Deletion.
Coding change: c.-1577_274+3865del on transcript NM_016628.5 (MANE Select); 1577 bases upstream of the start codon through 3865 bases into the intron after coding-DNA position 274, 7,620 bases deleted.
Molecular consequence: splice acceptor variant, splice donor variant, genic upstream transcript variant, initiator codon variant.
Genome position (GRCh38, 1-based): chr10:28,532,003-28,539,622, 7,620 bases deleted. GRCh37 (hg19): chr10:28,820,932-28,828,551.
Identifiers: ClinVar variation 3778728 (VCV003778728.1).

ClinVar aggregate classification (germline): Pathogenic (1 of 4 stars; one submission).

Conditions:
DeSanto-Shinawi syndrome due to WAC point mutation (DESSH). Also called: DEVELOPMENTAL DELAY, BEHAVIORAL ABNORMALITIES, FACIAL DYSMORPHISM, AND OCULAR ABNORMALITIES; Facial dysmorphism-developmental delay-behavioral abnormalities syndrome due to WAC point mutation; WAC-Related Intellectual Disability. Identifiers: Orphanet 284169, Orphanet 466950, MedGen C5681129, MONDO:0014741, OMIM 616708.

Submission:

Institute of Human Genetics, University of Leipzig Medical Center
Classification: Pathogenic for DeSanto-Shinawi syndrome due to WAC point mutation. Last evaluated: 2024-02-20. Review status: criteria provided, single submitter. Criteria: ACMG Guidelines, 2015. Collection method: clinical testing. Allele origin: de novo. Inheritance: Autosomal dominant inheritance. Affected: yes.
Comment: Criteria applied: PVS1, PS2, PM2_SUP